The following is an entry in ClinVar:

NM_006767.4(LZTR1):c.1505_1527del (p.Gly502fs)

Gene: LZTR1 (leucine zipper like post translational regulator 1; plus strand). Cytogenetic location: 22q11.21.
Variant type: Deletion.
Coding change: c.1505_1527del on transcript NM_006767.4 (MANE Select); coding-DNA positions 1505 to 1527, 23 bases deleted (GTGGGGCCCGGCCGCCCCTGCTG).
Protein change: p.Gly502fs; shifts the reading frame from glycine 502.
Molecular consequence: frameshift variant.
Genome position (GRCh38, 1-based): chr22:20,994,159-20,994,181, GTGGGGCCCGGCCGCCCCTGCTG deleted; deleting any 23 consecutive bases within chr22:20,994,153-20,994,181 gives the same sequence; the c. name uses the placement nearest the transcript's 3' end. VCF-style (leftmost placement, unchanged base first): chr22-20994152-GCTGCTGGTGGGGCCCGGCCGCCC-G. GRCh37 (hg19) VCF-style: chr22-21348441-GCTGCTGGTGGGGCCCGGCCGCCC-G.
Other names: short protein forms G502fs.
Identifiers: ClinVar variation 4727281 (VCV004727281.1).
Genomic context (GRCh38, chr22:20,994,152, plus strand): 5'-TTCTCCCCACAGAAGCTGGAGCAGGAGGCCGCCCCAGTTCCCAGGGAGGCCCCCGGCGTG[GCTGCTGGTGGGGCCCGGCCGCCC>G]CTGCTGCACGTGGCCATCCGGGAGGCCGAGGCCCGGCCCTTCGAGGTGCTCATGCAGTTC-3'

ClinVar aggregate classification (germline): Pathogenic (1 of 4 stars; one submission).

Submission:

Labcorp Genetics (formerly Invitae), Labcorp
Classification: Pathogenic. Last evaluated: 2025-09-16. Review status: criteria provided, single submitter. Criteria: Invitae Variant Classification Sherloc (09022015). Collection method: clinical testing. Allele origin: germline.
Comment: This sequence change creates a premature translational stop signal (p.Gly502Alafs*159) in the LZTR1 gene. It is expected to result in an absent or disrupted protein product. Loss-of-function variants in LZTR1 are known to be pathogenic (PMID: 24362817, 25335493, 25480913, 25795793, 29469822, 30368668, 30442762, 30442766, 30481304, 30859559). This variant is not present in population databases (gnomAD no frequency). This variant has not been reported in the literature in individuals affected with LZTR1-related conditions. For these reasons, this variant has been classified as Pathogenic.

Literature cited by the submitters: PubMed 24362817; PubMed 25335493; PubMed 25480913; PubMed 25795793; PubMed 29469822; PubMed 30368668; PubMed 30442762; PubMed 30442766; PubMed 30481304; PubMed 30859559.